The following is an entry in ClinVar:

ClinVar aggregate classification (germline): Uncertain significance. Review status: criteria provided, multiple submitters, no conflicts (2 of 4 stars). 2 submissions from 2 submitters: Uncertain significance (2). Last evaluated 2025-03-25.

Conditions:
Early-infantile DEE. Also called: Ohtahara syndrome; Early infantile epileptic encephalopathy with suppression bursts; Early infantile epileptic encephalopathy. Identifiers: Orphanet 1934, MedGen C0393706, MONDO:0800491.
Inborn genetic diseases. Identifiers: MedGen C0950123, MeSH D030342.

Allele frequency attached by ClinVar (database versions not stated): TOPMed 0.00001.
gnomAD v4.1: 10 of 1,612,922 alleles (0.00062%); highest among the groups gnomAD compares: Admixed American, 0.0033%; no homozygotes.

Submissions (2):

Ambry Genetics
Classification: Uncertain significance for Inborn genetic diseases. Last evaluated: 2025-03-25. Review status: criteria provided, single submitter. Criteria: Ambry Variant Classification Scheme 2023. Collection method: clinical testing. Allele origin: germline.

Labcorp Genetics (formerly Invitae), Labcorp
Classification: Uncertain significance for Early-infantile DEE. Last evaluated: 2020-02-11. Review status: criteria provided, single submitter. Criteria: Invitae Variant Classification Sherloc (09022015). Collection method: clinical testing. Allele origin: germline.
Comment: In summary, the available evidence is currently insufficient to determine the role of this variant in disease. Therefore, it has been classified as a Variant of Uncertain Significance. This sequence change replaces arginine with tryptophan at codon 594 of the CACNA2D2 protein (p.Arg594Trp). The arginine residue is moderately conserved and there is a moderate physicochemical difference between arginine and tryptophan. This variant is present in population databases (rs755251875, ExAC 0.02%). This variant has not been reported in the literature in individuals with CACNA2D2-related conditions. Algorithms developed to predict the effect of missense changes on protein structure and function are either unavailable or do not agree on the potential impact of this missense change (SIFT: "Deleterious"; PolyPhen-2: "Probably Damaging"; Align-GVGD: "Class C0").

NM_006030.4(CACNA2D2):c.1780C>T (p.Arg594Trp)

Gene: CACNA2D2 (calcium voltage-gated channel auxiliary subunit alpha2delta 2; minus strand). Cytogenetic location: 3p21.31.
Variant type: single nucleotide variant.
Coding change: c.1780C>T on transcript NM_006030.4 (MANE Select); coding-DNA position 1780, C replaced by T.
Protein change: p.Arg594Trp; replaces arginine 594 with tryptophan.
Molecular consequence: missense variant.
Genome position (GRCh38, 1-based): chr3:50,375,874, G>A on the plus strand (C>T on the coding strand, the complement: CACNA2D2 is on the minus strand). VCF-style: chr3-50375874-G-A. GRCh37 (hg19) VCF-style: chr3-50413305-G-A.
Other names: c.1780C>T (NM_001174051.1); c.1780C>T, p.Arg594Trp (NM_001005505.3, NM_001174051.3); c.1573C>T, p.Arg525Trp (NM_001291101.1); short protein forms R525W, R594W.
Identifiers: ClinVar variation 1055112 (VCV001055112.7), dbSNP rs755251875, ClinGen allele CA2418730.